The following is an entry in ClinVar:

NM_001134407.3(GRIN2A):c.323C>T (p.Ala108Val)

Gene: GRIN2A (glutamate ionotropic receptor NMDA type subunit 2A; minus strand). Cytogenetic location: 16p13.2.
Variant type: single nucleotide variant.
Coding change: c.323C>T on transcript NM_001134407.3 (MANE Select); coding-DNA position 323, C replaced by T.
Protein change: p.Ala108Val; replaces alanine 108 with valine.
Molecular consequence: missense variant.
Genome position (GRCh38, 1-based): chr16:10,180,089, G>A on the plus strand (C>T on the coding strand, the complement: GRIN2A is on the minus strand). VCF-style: chr16-10180089-G-A. GRCh37 (hg19) VCF-style: chr16-10273946-G-A.
Other names: c.323C>T, p.Ala108Val (NM_000833.5, NM_001134408.2); short protein forms A108V.
Identifiers: ClinVar variation 1729275 (VCV001729275.5), dbSNP rs2142388340, ClinGen allele CA394715262.

ClinVar aggregate classification (germline): Uncertain significance. Review status: criteria provided, multiple submitters, no conflicts (2 of 4 stars). 2 submissions from 2 submitters: Uncertain significance (2). Last evaluated 2023-11-08.

Conditions:
Landau-Kleffner syndrome (FESD). Also called: EPILEPSY, FOCAL, WITH SPEECH DISORDER AND WITH OR WITHOUT MENTAL RETARDATION; APHASIA, ACQUIRED, WITH EPILEPSY. Identifiers: Orphanet 1945, Orphanet 725, Orphanet 98818, MedGen C0282512, MONDO:0009509, OMIM 245570.
Inborn genetic diseases. Identifiers: MedGen C0950123, MeSH D030342.

Allele frequency attached by ClinVar (database versions not stated): gnomAD exomes below 0.00001.
gnomAD v4.1: 1 of 1,614,184 alleles (0.000062%); highest among the groups gnomAD compares: Non-Finnish European, 0.000085%; no homozygotes.

Submissions (2):

Labcorp Genetics (formerly Invitae), Labcorp
Classification: Uncertain significance for Landau-Kleffner syndrome. Last evaluated: 2023-11-08. Review status: criteria provided, single submitter. Criteria: Invitae Variant Classification Sherloc (09022015). Collection method: clinical testing. Allele origin: germline.
Comment: This sequence change replaces alanine, which is neutral and non-polar, with valine, which is neutral and non-polar, at codon 108 of the GRIN2A protein (p.Ala108Val). This variant is not present in population databases (gnomAD no frequency). This variant has not been reported in the literature in individuals affected with GRIN2A-related conditions. ClinVar contains an entry for this variant (Variation ID: 1729275). Advanced modeling of protein sequence and biophysical properties (such as structural, functional, and spatial information, amino acid conservation, physicochemical variation, residue mobility, and thermodynamic stability) performed at Invitae indicates that this missense variant is expected to disrupt GRIN2A protein function with a positive predictive value of 95%. In summary, the available evidence is currently insufficient to determine the role of this variant in disease. Therefore, it has been classified as a Variant of Uncertain Significance.

Ambry Genetics
Classification: Uncertain significance for Inborn genetic diseases. Last evaluated: 2017-12-19. Review status: criteria provided, single submitter. Criteria: Ambry Variant Classification Scheme 2023. Collection method: clinical testing. Allele origin: germline.
Comment: The p.A108V variant (also known as c.323C>T), located in coding exon 1 of the GRIN2A gene, results from a C to T substitution at nucleotide position 323. The alanine at codon 108 is replaced by valine, an amino acid with similar properties. This amino acid position is highly conserved in available vertebrate species. In addition, this alteration is predicted to be deleterious by in silico analysis. Since supporting evidence is limited at this time, the clinical significance of this alteration remains unclear.